The following is an entry in ClinVar:

NM_000179.3(MSH6):c.370G>C (p.Gly124Arg)

Gene: MSH6 (mutS homolog 6; plus strand). Cytogenetic location: 2p16.3.
Variant type: single nucleotide variant.
Coding change: c.370G>C on transcript NM_000179.3 (MANE Select); coding-DNA position 370, G replaced by C.
Protein change: p.Gly124Arg; replaces glycine 124 with arginine.
Molecular consequence: missense variant. On other transcripts: 5 prime UTR variant (2), intron variant (1).
Genome position (GRCh38, 1-based): chr2:47,791,036, G>C. VCF-style: chr2-47791036-G-C. GRCh37 (hg19) VCF-style: chr2-48018175-G-C.
Other names: c.-367G>C (NM_001281493.2); c.-533G>C (NM_001281494.2); c.237+7566G>C (NM_001281492.2); short protein forms G124R.
Identifiers: ClinVar variation 187109 (VCV000187109.21), dbSNP rs786203479, ClinGen allele CA013918.

ClinVar aggregate classification (germline): Uncertain significance. Review status: criteria provided, multiple submitters, no conflicts (2 of 4 stars). 3 submissions from 3 submitters: Uncertain significance (3). Last evaluated 2025-01-10.

Conditions:
Hereditary cancer-predisposing syndrome. Also called: Neoplastic Syndromes, Hereditary; Tumor predisposition; Hereditary Cancer Syndrome; Hereditary neoplastic syndrome. Identifiers: Orphanet 140162, MedGen C0027672, MeSH D009386, MONDO:0015356.
Hereditary nonpolyposis colorectal neoplasms. Identifiers: MedGen C0009405, MeSH D003123.

Submissions (3):

Ambry Genetics
Classification: Uncertain significance for Hereditary cancer-predisposing syndrome. Last evaluated: 2025-01-10. Review status: criteria provided, single submitter. Criteria: Ambry Variant Classification Scheme 2023. Collection method: clinical testing. Allele origin: germline.
Comment: The p.G124R variant (also known as c.370G>C), located in coding exon 2 of the MSH6 gene, results from a G to C substitution at nucleotide position 370. The glycine at codon 124 is replaced by arginine, an amino acid with dissimilar properties. This amino acid position is highly conserved in available vertebrate species. In addition, this alteration is predicted to be deleterious by in silico analysis. Based on the available evidence, the clinical significance of this variant remains unclear.

Color Diagnostics, LLC DBA Color Health
Classification: Uncertain significance for Hereditary cancer-predisposing syndrome. Last evaluated: 2023-12-05. Review status: criteria provided, single submitter. Criteria: ACMG Guidelines, 2015. Collection method: clinical testing. Allele origin: germline.
Comment: This missense variant replaces glycine with arginine at codon 124 of the MSH6 protein. Computational prediction is inconclusive regarding the impact of this variant on protein structure and function (internally defined REVEL score threshold 0.5 < inconclusive < 0.7, PMID: 27666373). To our knowledge, functional studies have not been reported for this variant. This variant has not been reported in individuals affected with MSH6-related disorders in the literature. This variant has not been identified in the general population by the Genome Aggregation Database (gnomAD). The available evidence is insufficient to determine the role of this variant in disease conclusively. Therefore, this variant is classified as a Variant of Uncertain Significance.

Labcorp Genetics (formerly Invitae), Labcorp
Classification: Uncertain significance for Hereditary nonpolyposis colorectal neoplasms. Last evaluated: 2019-08-08. Review status: criteria provided, single submitter. Criteria: Invitae Variant Classification Sherloc (09022015). Collection method: clinical testing. Allele origin: germline.
Comment: This sequence change replaces glycine with arginine at codon 124 of the MSH6 protein (p.Gly124Arg). The glycine residue is moderately conserved and there is a moderate physicochemical difference between glycine and arginine. This variant is not present in population databases (ExAC no frequency). This variant has not been reported in the literature in individuals with MSH6-related conditions. ClinVar contains an entry for this variant (Variation ID: 187109). Algorithms developed to predict the effect of missense changes on protein structure and function are either unavailable or do not agree on the potential impact of this missense change (SIFT: "Tolerated"; PolyPhen-2: "Probably Damaging"; Align-GVGD: "Class C0"). In summary, the available evidence is currently insufficient to determine the role of this variant in disease. Therefore, it has been classified as a Variant of Uncertain Significance.